The following is an entry in ClinVar:

NM_014727.3(KMT2B):c.1093G>A (p.Glu365Lys)

Gene: KMT2B (lysine methyltransferase 2B; plus strand). Cytogenetic location: 19q13.12.
Variant type: single nucleotide variant.
Coding change: c.1093G>A on transcript NM_014727.3 (MANE Select); coding-DNA position 1093, G replaced by A.
Protein change: p.Glu365Lys; replaces glutamic acid 365 with lysine.
Molecular consequence: missense variant.
Genome position (GRCh38, 1-based): chr19:35,720,440, G>A. VCF-style: chr19-35720440-G-A. GRCh37 (hg19) VCF-style: chr19-36211342-G-A.
Other names: short protein forms E365K.
Identifiers: ClinVar variation 2109122 (VCV002109122.4), dbSNP rs1969138609, ClinGen allele CA405384436.

ClinVar aggregate classification (germline): Uncertain significance (1 of 4 stars; one submission).

Submission:

Labcorp Genetics (formerly Invitae), Labcorp
Classification: Uncertain significance. Last evaluated: 2024-10-16. Review status: criteria provided, single submitter. Criteria: Invitae Variant Classification Sherloc (09022015). Collection method: clinical testing. Allele origin: germline.
Comment: This sequence change replaces glutamic acid, which is acidic and polar, with lysine, which is basic and polar, at codon 365 of the KMT2B protein (p.Glu365Lys). This variant is not present in population databases (gnomAD no frequency). This variant has not been reported in the literature in individuals affected with KMT2B-related conditions. ClinVar contains an entry for this variant (Variation ID: 2109122). Invitae Evidence Modeling of protein sequence and biophysical properties (such as structural, functional, and spatial information, amino acid conservation, physicochemical variation, residue mobility, and thermodynamic stability) indicates that this missense variant is not expected to disrupt KMT2B protein function with a negative predictive value of 95%. In summary, the available evidence is currently insufficient to determine the role of this variant in disease. Therefore, it has been classified as a Variant of Uncertain Significance.